The following is an entry in ClinVar:

NM_001256864.2(DNAJC6):c.344+4C>T

Gene: DNAJC6 (DnaJ heat shock protein family (Hsp40) member C6; plus strand). Cytogenetic location: 1p31.3.
Variant type: single nucleotide variant.
Coding change: c.344+4C>T on transcript NM_001256864.2 (MANE Select); 4 bases into the intron after coding-DNA position 344, C replaced by T.
Molecular consequence: intron variant.
Genome position (GRCh38, 1-based): chr1:65,364,789, C>T. VCF-style: chr1-65364789-C-T. GRCh37 (hg19) VCF-style: chr1-65830472-C-T.
Other names: p.?; c.134+4C>T (NM_001256865.2); c.173+4C>T (NM_014787.4).
Identifiers: ClinVar variation 1484761 (VCV001484761.7), dbSNP rs561389842, ClinGen allele CA893604.

ClinVar aggregate classification (germline): Conflicting classifications of pathogenicity. Review status: criteria provided, conflicting classifications (1 of 4 stars). 2 submissions from 2 submitters: Uncertain significance (1); Likely benign (1). Last evaluated 2025-03-10.

Conditions:
Juvenile onset Parkinson disease 19A. Also called: PARK19; DNAJC6 Parkinson Disease. Identifiers: Orphanet 391411, MedGen C3809811, MONDO:0014231, OMIM 615528.

Allele frequency attached by ClinVar (database versions not stated): gnomAD exomes 0.00008 and 0.00006; ExAC 0.00011; 1000 Genomes Project 30x 0.00016; 1000 Genomes Project 0.00020; gnomAD 0.00002 and 0.00003; TOPMed 0.00004.
gnomAD v4.1: 90 of 1,611,866 alleles (0.0056%); highest among the groups gnomAD compares: South Asian, 0.023%; no homozygotes.

Submissions (2):

Mayo Clinic Laboratories, Mayo Clinic
Classification: Likely benign. Last evaluated: 2025-03-10. Review status: criteria provided, single submitter. Criteria: ACMG Guidelines, 2015. Collection method: clinical testing. Allele origin: germline. Observed: 1 variant allele.
Comment: BS1, BP4, BP7

Labcorp Genetics (formerly Invitae), Labcorp
Classification: Uncertain significance for Juvenile onset Parkinson disease 19A. Last evaluated: 2023-08-16. Review status: criteria provided, single submitter. Criteria: Invitae Variant Classification Sherloc (09022015). Collection method: clinical testing. Allele origin: germline.
Comment: In summary, the available evidence is currently insufficient to determine the role of this variant in disease. Therefore, it has been classified as a Variant of Uncertain Significance. Variants that disrupt the consensus splice site are a relatively common cause of aberrant splicing (PMID: 17576681, 9536098). Algorithms developed to predict the effect of sequence changes on RNA splicing suggest that this variant is not likely to affect RNA splicing. ClinVar contains an entry for this variant (Variation ID: 1484761). This variant has not been reported in the literature in individuals affected with DNAJC6-related conditions. This variant is present in population databases (rs561389842, gnomAD 0.06%). This sequence change falls in intron 2 of the DNAJC6 gene. It does not directly change the encoded amino acid sequence of the DNAJC6 protein. It affects a nucleotide within the consensus splice site.

Literature cited by the submitters: PubMed 17576681 (cited by Labcorp Genetics (formerly Invitae), Labcorp); PubMed 9536098 (cited by Labcorp Genetics (formerly Invitae), Labcorp).